The following is an entry in ClinVar:

ClinVar aggregate classification (germline): Uncertain significance. Review status: criteria provided, multiple submitters, no conflicts (2 of 4 stars). 4 submissions from 4 submitters: Uncertain significance (4). Last evaluated 2026-08-01.

Conditions:
Inborn genetic diseases. Identifiers: MedGen C0950123, MeSH D030342.
TTLL5-related disorder. Also called: TTLL5-related condition.

Allele frequency attached by ClinVar (database versions not stated): gnomAD 0.00001.
gnomAD v4.1: 103 of 1,613,806 alleles (0.0064%); highest among the groups gnomAD compares: Non-Finnish European, 0.0086%; no homozygotes.

Submissions (4):

PreventionGenetics, part of Exact Sciences
Classification: Uncertain significance for TTLL5-related condition. Last evaluated: 2026-08-01. Review status: criteria provided, single submitter. Criteria: ACMG Guidelines, 2015. Collection method: clinical testing. Allele origin: germline.
Comment: The TTLL5 c.1340G>A variant is predicted to result in the amino acid substitution p.Arg447Gln. To our knowledge, this variant has not been reported in the literature. This variant is reported in 0.0035% of alleles in individuals of European (Non-Finnish) descent in gnomAD. At this time, the clinical significance of this variant is uncertain due to the absence of conclusive functional and genetic evidence.

Ambry Genetics
Classification: Uncertain significance for Inborn genetic diseases. Last evaluated: 2025-05-04. Review status: criteria provided, single submitter. Criteria: Ambry Variant Classification Scheme 2023. Collection method: clinical testing. Allele origin: germline.

Blueprint Genetics
Classification: Uncertain significance. Last evaluated: 2022-12-08. Review status: criteria provided, single submitter. Criteria: ACMG Guidelines, 2015. Collection method: clinical testing. Allele origin: germline.

Labcorp Genetics (formerly Invitae), Labcorp
Classification: Uncertain significance. Last evaluated: 2021-09-02. Review status: criteria provided, single submitter. Criteria: Invitae Variant Classification Sherloc (09022015). Collection method: clinical testing. Allele origin: germline.
Comment: This sequence change replaces arginine with glutamine at codon 447 of the TTLL5 protein (p.Arg447Gln). The arginine residue is moderately conserved and there is a small physicochemical difference between arginine and glutamine. This variant is present in population databases (rs745935869, ExAC 0.002%). This variant has not been reported in the literature in individuals affected with TTLL5-related conditions. Algorithms developed to predict the effect of missense changes on protein structure and function are either unavailable or do not agree on the potential impact of this missense change (SIFT: "Tolerated"; PolyPhen-2: "Possibly Damaging"; Align-GVGD: "Class C0"). In summary, the available evidence is currently insufficient to determine the role of this variant in disease. Therefore, it has been classified as a Variant of Uncertain Significance.

NM_015072.5(TTLL5):c.1340G>A (p.Arg447Gln)

Gene: TTLL5 (tubulin tyrosine ligase like 5; plus strand). Cytogenetic location: 14q24.3.
Variant type: single nucleotide variant.
Coding change: c.1340G>A on transcript NM_015072.5 (MANE Select); coding-DNA position 1340, G replaced by A.
Protein change: p.Arg447Gln; replaces arginine 447 with glutamine.
Molecular consequence: missense variant.
Genome position (GRCh38, 1-based): chr14:75,745,153, G>A. VCF-style: chr14-75745153-G-A. GRCh37 (hg19) VCF-style: chr14-76211496-G-A.
Other names: c.1340G>A (NM_015072.4); short protein forms R447Q.
Identifiers: ClinVar variation 1042259 (VCV001042259.9), dbSNP rs745935869, ClinGen allele CA7279357.